The following is an entry in ClinVar:

ClinVar aggregate classification (germline): Uncertain significance (1 of 4 stars; one submission).

Conditions:
Aortic aneurysm, familial thoracic 4 (AAT4). Also called: AORTIC ANEURYSM/AORTIC DISSECTION AND PATENT DUCTUS ARTERIOSUS. Identifiers: MedGen C1851504, MONDO:0007568, OMIM 132900.

gnomAD v4.1: 1 of 1,614,244 alleles (0.000062%); highest among the groups gnomAD compares: Non-Finnish European, 0.000085%; no homozygotes.

Submission:

Labcorp Genetics (formerly Invitae), Labcorp
Classification: Uncertain significance for Aortic aneurysm, familial thoracic 4. Last evaluated: 2025-07-10. Review status: criteria provided, single submitter. Criteria: Invitae Variant Classification Sherloc (09022015). Collection method: clinical testing. Allele origin: germline.
Comment: This sequence change replaces glutamine, which is neutral and polar, with lysine, which is basic and polar, at codon 1218 of the MYH11 protein (p.Gln1218Lys). This variant is not present in population databases (gnomAD no frequency). This variant has not been reported in the literature in individuals affected with MYH11-related conditions. Invitae Evidence Modeling of protein sequence and biophysical properties (such as structural, functional, and spatial information, amino acid conservation, physicochemical variation, residue mobility, and thermodynamic stability) indicates that this missense variant is not expected to disrupt MYH11 protein function with a negative predictive value of 95%. In summary, the available evidence is currently insufficient to determine the role of this variant in disease. Therefore, it has been classified as a Variant of Uncertain Significance.

NM_002474.3(MYH11):c.3631C>A (p.Gln1211Lys)

Gene: MYH11 (myosin heavy chain 11; minus strand). Cytogenetic location: 16p13.11.
Variant type: single nucleotide variant.
Coding change: c.3631C>A on transcript NM_002474.3 (MANE Select); coding-DNA position 3631, C replaced by A.
Protein change: p.Gln1211Lys; replaces glutamine 1211 with lysine.
Molecular consequence: missense variant.
Genome position (GRCh38, 1-based): chr16:15,732,584, G>T on the plus strand (C>A on the coding strand, the complement: MYH11 is on the minus strand). VCF-style: chr16-15732584-G-T. GRCh37 (hg19) VCF-style: chr16-15826441-G-T.
Other names: c.3652C>A, p.Gln1218Lys (NM_001040113.2, NM_001040114.2); c.3631C>A, p.Gln1211Lys (NM_022844.3); short protein forms Q1218K, Q1211K.
Identifiers: ClinVar variation 4696733 (VCV004696733.1).